The following is an entry in ClinVar:

NM_017739.4(POMGNT1):c.120+2T>A

Gene: POMGNT1 (protein O-linked mannose N-acetylglucosaminyltransferase 1 (beta 1,2-); minus strand). Cytogenetic location: 1p34.1.
Variant type: single nucleotide variant.
Coding change: c.120+2T>A on transcript NM_017739.4 (MANE Select); the canonical splice donor site of the intron after coding-DNA position 120, T replaced by A.
Molecular consequence: splice donor variant.
Genome position (GRCh38, 1-based): chr1:46,197,700, A>T on the plus strand (T>A on the coding strand, the complement: POMGNT1 is on the minus strand). VCF-style: chr1-46197700-A-T. GRCh37 (hg19) VCF-style: chr1-46663372-A-T.
Other names: c.120+2T>A (NM_001243766.2, NM_001410783.1).
Identifiers: ClinVar variation 956310 (VCV000956310.11), dbSNP rs1658353874, ClinGen allele CA340192535.
Genomic context (GRCh38, chr1:46,197,700, plus strand): 5'-TTTAGGTGGGGAGGAAGCTGGGAGGGAGCGCTCGGTGGGGAGGGTTTGGGACATCTCTAT[A>T]CCTGACAGAATCTCCGCAGGGCCCGCTGGTTTGTCAGTTTATACTTCCAGGTAAGGTACC-3'

ClinVar aggregate classification (germline): Likely pathogenic. Review status: criteria provided, multiple submitters, no conflicts (2 of 4 stars). 4 submissions from 4 submitters: Likely pathogenic (3). 1 of the submissions does not count toward it. Last evaluated 2024-08-15.

Conditions:
Muscular dystrophy-dystroglycanopathy (congenital with brain and eye anomalies), type A3. Also called: Muscular dystrophy-dystroglycanopathy (congenital with brain and eye anomalies), type A, 3; Congenital muscular dystrophy-dystroglycanopathy with brain and eye anomalies, type A3; WALKER-WARBURG SYNDROME OR MUSCLE-EYE-BRAIN DISEASE, POMGNT1-RELATED. Identifiers: MedGen C3151519, MONDO:0009667, OMIM 253280.
Autosomal recessive limb-girdle muscular dystrophy type 2O. Also called: MUSCULAR DYSTROPHY-DYSTROGLYCANOPATHY (LIMB-GIRDLE), TYPE C, 3; MUSCULAR DYSTROPHY-DYSTROGLYCANOPATHY, LIMB-GIRDLE, POMGNT1-RELATED; Limb-Girdle Muscular Dystrophy Type 3C. Identifiers: Orphanet 206564, MedGen C3150417, MONDO:0013161, OMIM 613157.
Muscular dystrophy-dystroglycanopathy (congenital with impaired intellectual development), type B, 3. Also called: Muscular dystrophy-dystroglycanopathy (congenital with intellectual disability), type B3; MUSCULAR DYSTROPHY, CONGENITAL, POMGNT1-RELATED. Identifiers: MedGen C3150412, MONDO:0013155, OMIM 613151.
Muscle eye brain disease (MEB). Also called: Santavuori congenital muscular dystrophy. Identifiers: Orphanet 588, Orphanet 899, MedGen C0457133, MONDO:0018939.

Submissions (4):

Labcorp Genetics (formerly Invitae), Labcorp
Classification: Likely pathogenic for Autosomal recessive limb-girdle muscular dystrophy type 2O; Muscular dystrophy-dystroglycanopathy (congenital with impaired intellectual development), type B, 3. Last evaluated: 2024-08-15. Review status: criteria provided, single submitter. Criteria: Invitae Variant Classification Sherloc (09022015). Collection method: clinical testing. Allele origin: germline.
Comment: This sequence change affects a donor splice site in intron 2 of the POMGNT1 gene. It is expected to disrupt RNA splicing. Variants that disrupt the donor or acceptor splice site typically lead to a loss of protein function (PMID: 16199547), and loss-of-function variants in POMGNT1 are known to be pathogenic (PMID: 19299310, 20816175, 21447391, 26908613, 27391550). This variant is not present in population databases (gnomAD no frequency). This variant has not been reported in the literature in individuals affected with POMGNT1-related conditions. ClinVar contains an entry for this variant (Variation ID: 956310). Algorithms developed to predict the effect of sequence changes on RNA splicing suggest that this variant may disrupt the consensus splice site. In summary, the currently available evidence indicates that the variant is pathogenic, but additional data are needed to prove that conclusively. Therefore, this variant has been classified as Likely Pathogenic.

Revvity Omics, Revvity
Classification: Likely pathogenic. Last evaluated: 2024-08-08. Review status: criteria provided, single submitter. Criteria: ACMG Guidelines, 2015. Collection method: clinical testing. Allele origin: germline.

Baylor Genetics
Classification: Likely pathogenic for Muscular dystrophy-dystroglycanopathy (congenital with brain and eye anomalies), type A3. Last evaluated: 2023-11-12. Review status: criteria provided, single submitter. Criteria: ACMG Guidelines, 2015. Collection method: clinical testing. Allele origin: unknown.

Natera, Inc.
Classification: Likely pathogenic for Muscle-eye-brain disease. Last evaluated: 2020-11-06. Review status: no assertion criteria provided. Collection method: clinical testing. Allele origin: germline. Not counted in ClinVar's aggregate classification.

Literature cited by the submitters: PubMed 16199547 (cited by Labcorp Genetics (formerly Invitae), Labcorp); PubMed 19299310 (cited by Labcorp Genetics (formerly Invitae), Labcorp); PubMed 20816175 (cited by Labcorp Genetics (formerly Invitae), Labcorp); PubMed 21447391 (cited by Labcorp Genetics (formerly Invitae), Labcorp); PubMed 26908613 (cited by Labcorp Genetics (formerly Invitae), Labcorp); PubMed 27391550 (cited by Labcorp Genetics (formerly Invitae), Labcorp).